The following is an entry in ClinVar:

ClinVar aggregate classification (germline): Benign (1 of 4 stars; one submission).

Allele frequency attached by ClinVar (database versions not stated): gnomAD 0.32928 and 0.34434; TOPMed 0.35665; 1000 Genomes Project 30x 0.51530; 1000 Genomes Project 0.52576.
gnomAD v4.1: 52,271 of 152,088 alleles (34%); highest among the groups gnomAD compares: East Asian, 81%; 10,118 homozygotes.

Submission:

GeneDx
Classification: Benign. Last evaluated: 2018-06-14. Review status: criteria provided, single submitter. Criteria: GeneDx Variant Classification (06012015). Collection method: clinical testing. Allele origin: germline. Affected: yes.
Comment: This variant is considered likely benign or benign based on one or more of the following criteria: it is a conservative change, it occurs at a poorly conserved position in the protein, it is predicted to be benign by multiple in silico algorithms, and/or has population frequency not consistent with disease.

NM_001013703.4(EIF2AK4):c.145-206A>G

Gene: EIF2AK4 (eukaryotic translation initiation factor 2 alpha kinase 4; plus strand). Cytogenetic location: 15q15.1.
Variant type: single nucleotide variant.
Coding change: c.145-206A>G on transcript NM_001013703.4 (MANE Select); 206 bases into the intron before coding-DNA position 145, A replaced by G.
Molecular consequence: intron variant.
Genome position (GRCh38, 1-based): chr15:39,939,299, A>G. VCF-style: chr15-39939299-A-G. GRCh37 (hg19) VCF-style: chr15-40231500-A-G.
Identifiers: ClinVar variation 674659 (VCV000674659.1), dbSNP rs525910, ClinGen allele CA14077569.